The following is an entry in ClinVar:

NM_003052.5(SLC34A1):c.1708C>A (p.Pro570Thr)

Gene: SLC34A1 (solute carrier family 34 member 1; plus strand). Cytogenetic location: 5q35.3.
Variant type: single nucleotide variant.
Coding change: c.1708C>A on transcript NM_003052.5 (MANE Select); coding-DNA position 1708, C replaced by A.
Protein change: p.Pro570Thr; replaces proline 570 with threonine.
Molecular consequence: missense variant.
Genome position (GRCh38, 1-based): chr5:177,398,074, C>A. VCF-style: chr5-177398074-C-A. GRCh37 (hg19) VCF-style: chr5-176825075-C-A.
Other names: short protein forms P570T.
Identifiers: ClinVar variation 635429 (VCV000635429.8), dbSNP rs144700897, ClinGen allele CA3580867.

ClinVar aggregate classification (germline): Uncertain significance. Review status: criteria provided, multiple submitters, no conflicts (2 of 4 stars). 3 submissions from 3 submitters: Uncertain significance (2). 1 of the submissions does not count toward it. Last evaluated 2024-04-09.

Conditions:
Hypercalcemia, infantile, 2 (HCINF2). Identifiers: Orphanet 300547, MedGen C4310473, MONDO:0014851, OMIM 616963.

Allele frequency attached by ClinVar (database versions not stated): TOPMed 0.00002.
gnomAD v4.1: 10 of 1,613,572 alleles (0.00062%); highest among the groups gnomAD compares: Middle Eastern, 0.016%; no homozygotes.

Submissions (3):

Blueprint Genetics
Classification: Uncertain significance. Last evaluated: 2024-04-09. Review status: criteria provided, single submitter. Criteria: ACMG Guidelines, 2015. Collection method: clinical testing. Allele origin: germline.

Labcorp Genetics (formerly Invitae), Labcorp
Classification: Uncertain significance. Last evaluated: 2021-02-02. Review status: criteria provided, single submitter. Criteria: Invitae Variant Classification Sherloc (09022015). Collection method: clinical testing. Allele origin: germline.
Comment: In summary, the available evidence is currently insufficient to determine the role of this variant in disease. Therefore, it has been classified as a Variant of Uncertain Significance. Algorithms developed to predict the effect of missense changes on protein structure and function (SIFT, PolyPhen-2, Align-GVGD) all suggest that this variant is likely to be disruptive, but these predictions have not been confirmed by published functional studies and their clinical significance is uncertain. This variant has not been reported in the literature in individuals with SLC34A1-related conditions. ClinVar contains an entry for this variant (Variation ID: 635429). This variant is present in population databases (rs144700897, ExAC 0.003%). This sequence change replaces proline with threonine at codon 570 of the SLC34A1 protein (p.Pro570Thr). The proline residue is highly conserved and there is a small physicochemical difference between proline and threonine.

Bioscientia Institut fuer Medizinische Diagnostik GmbH, Sonic Healthcare
Classification: Uncertain significance for Hypercalcemia, infantile, 2. Last evaluated: 2018-09-25. Review status: no assertion criteria provided. Collection method: clinical testing. Allele origin: germline. Affected: yes. Not counted in ClinVar's aggregate classification.